The following is an entry in ClinVar:

ClinVar aggregate classification (germline): Pathogenic (1 of 4 stars; one submission).

Conditions:
Developmental and epileptic encephalopathy. Identifiers: MedGen C5779964, MONDO:0100620.

Submission:

Labcorp Genetics (formerly Invitae), Labcorp
Classification: Pathogenic for Early-infantile DEE. Last evaluated: 2021-01-04. Review status: criteria provided, single submitter. Criteria: Invitae Variant Classification Sherloc (09022015). Collection method: clinical testing. Allele origin: germline.
Comment: For these reasons, this variant has been classified as Pathogenic. This variant has not been reported in the literature in individuals with SPTAN1-related conditions. This variant is a gross deletion of the genomic region encompassing exon(s) 25-31 of the SPTAN1 gene. This deletion is out-of-frame, and is expected to create a premature translational stop signal and result in an absent or disrupted protein product. Loss-of-function variants in SPTAN1 are known to be pathogenic (PMID: 31332438, 33206935).

Literature cited by the submitters: PubMed 31332438; PubMed 33206935.

NC_000009.11:g.(?_131360669)_(131367766_?)del

Gene: SPTAN1 (spectrin alpha, non-erythrocytic 1; plus strand). Cytogenetic location: 9q34.11.
Variant type: Deletion.
Identifiers: ClinVar variation 1014849 (VCV001014849.8).